The following is an entry in ClinVar:

ClinVar aggregate classification (germline): Uncertain significance (1 of 4 stars; one submission).

Conditions:
Primary ciliary dyskinesia. Also called: Ciliary dyskinesia. Identifiers: Orphanet 244, MedGen C0008780, MONDO:0016575, HP:0012265.

gnomAD v4.1: 2 of 1,613,664 alleles (0.00012%); highest among the groups gnomAD compares: African/African-American, 0.0013%; no homozygotes.

Submission:

Labcorp Genetics (formerly Invitae), Labcorp
Classification: Uncertain significance for Primary ciliary dyskinesia. Last evaluated: 2025-01-13. Review status: criteria provided, single submitter. Criteria: Invitae Variant Classification Sherloc (09022015). Collection method: clinical testing. Allele origin: germline.
Comment: This sequence change replaces glutamic acid, which is acidic and polar, with valine, which is neutral and non-polar, at codon 3368 of the DNAH11 protein (p.Glu3368Val). This variant is not present in population databases (gnomAD no frequency). This variant has not been reported in the literature in individuals affected with DNAH11-related conditions. ClinVar contains an entry for this variant (Variation ID: 2144959). Invitae Evidence Modeling of protein sequence and biophysical properties (such as structural, functional, and spatial information, amino acid conservation, physicochemical variation, residue mobility, and thermodynamic stability) indicates that this missense variant is not expected to disrupt DNAH11 protein function with a negative predictive value of 95%. In summary, the available evidence is currently insufficient to determine the role of this variant in disease. Therefore, it has been classified as a Variant of Uncertain Significance.

NM_001277115.2(DNAH11):c.10103A>T (p.Glu3368Val)

Gene: DNAH11 (dynein axonemal heavy chain 11; plus strand). Cytogenetic location: 7p15.3.
Variant type: single nucleotide variant.
Coding change: c.10103A>T on transcript NM_001277115.2 (MANE Select); coding-DNA position 10103, A replaced by T.
Protein change: p.Glu3368Val; replaces glutamic acid 3368 with valine.
Molecular consequence: missense variant.
Genome position (GRCh38, 1-based): chr7:21,801,213, A>T. VCF-style: chr7-21801213-A-T. GRCh37 (hg19) VCF-style: chr7-21840831-A-T.
Other names: c.10124A>T, p.Glu3375Val (NM_003777.3); short protein forms E3375V, E3368V.
Identifiers: ClinVar variation 2144959 (VCV002144959.4), dbSNP rs1788977486, ClinGen allele CA366944044.